The following is an entry in ClinVar:

NM_003283.6(TNNT1):c.815G>A (p.Arg272His)

Gene: TNNT1 (troponin T1, slow skeletal type; minus strand). Cytogenetic location: 19q13.42.
Variant type: single nucleotide variant.
Coding change: c.815G>A on transcript NM_003283.6 (MANE Select); coding-DNA position 815, G replaced by A.
Protein change: p.Arg272His; replaces arginine 272 with histidine.
Molecular consequence: missense variant.
Genome position (GRCh38, 1-based): chr19:55,132,937, C>T on the plus strand (G>A on the coding strand, the complement: TNNT1 is on the minus strand). VCF-style: chr19-55132937-C-T. GRCh37 (hg19) VCF-style: chr19-55644305-C-T.
Other names: c.767G>A, p.Arg256His (NM_001126132.3); c.734G>A, p.Arg245His (NM_001126133.3, NM_001291774.2); short protein forms R245H, R272H, R256H.
Identifiers: ClinVar variation 1403279 (VCV001403279.8), dbSNP rs533424787, ClinGen allele CA9667213.

ClinVar aggregate classification (germline): Uncertain significance (1 of 4 stars; one submission).

Conditions:
Nemaline myopathy 5 (NEM5A). Also called: Nemaline myopathy 5, Amish type; NEMALINE MYOPATHY, AMISH TYPE; NEMALINE MYOPATHY 5A, AUTOSOMAL RECESSIVE, SEVERE INFANTILE. Identifiers: Orphanet 98902, MedGen C1854380, MONDO:0011539, OMIM 605355.

Allele frequency attached by ClinVar (database versions not stated): ExAC 0.00001; gnomAD exomes 0.00001; TOPMed 0.00001; gnomAD 0.00003; 1000 Genomes Project 30x 0.00016; 1000 Genomes Project 0.00020.
gnomAD v4.1: 13 of 1,603,784 alleles (0.00081%); highest among the groups gnomAD compares: African/African-American, 0.008%; no homozygotes.

Submission:

Labcorp Genetics (formerly Invitae), Labcorp
Classification: Uncertain significance for Nemaline myopathy 5. Last evaluated: 2025-10-02. Review status: criteria provided, single submitter. Criteria: Invitae Variant Classification Sherloc (09022015). Collection method: clinical testing. Allele origin: germline.
Comment: This sequence change replaces arginine, which is basic and polar, with histidine, which is basic and polar, at codon 272 of the TNNT1 protein (p.Arg272His). The frequency data for this variant in the population databases is considered unreliable, as metrics indicate poor data quality at this position in the gnomAD database. This variant has not been reported in the literature in individuals affected with TNNT1-related conditions. ClinVar contains an entry for this variant (Variation ID: 1403279). An algorithm developed to predict the effect of missense changes on protein structure and function (PolyPhen-2) suggests that this variant is likely to be disruptive. In summary, the available evidence is currently insufficient to determine the role of this variant in disease. Therefore, it has been classified as a Variant of Uncertain Significance.